The following is an entry in ClinVar:

ClinVar aggregate classification (germline): Likely benign (1 of 4 stars; one submission).

gnomAD v4.1: 295 of 1,613,026 alleles (0.018%); highest among the groups gnomAD compares: Middle Eastern, 0.066%; no homozygotes.

Submission:

CeGaT Center for Human Genetics Tuebingen
Classification: Likely benign. Last evaluated: 2025-03-01. Review status: criteria provided, single submitter. Criteria: CeGaT Center For Human Genetics Tuebingen Variant Classification Criteria Version 2. Collection method: clinical testing. Allele origin: germline. Affected: yes. Observed: 1 variant allele.
Comment: LCP2: BP4, BP7

NM_005565.5(LCP2):c.294C>T (p.His98=)

Gene: LCP2 (lymphocyte cytosolic protein 2; minus strand). Cytogenetic location: 5q35.1.
Variant type: single nucleotide variant.
Coding change: c.294C>T on transcript NM_005565.5 (MANE Select); coding-DNA position 294, C replaced by T.
Protein change: p.His98=; no amino-acid change (histidine 98 retained).
Molecular consequence: synonymous variant.
Genome position (GRCh38, 1-based): chr5:170,274,331, G>A on the plus strand (C>T on the coding strand, the complement: LCP2 is on the minus strand). VCF-style: chr5-170274331-G-A. GRCh37 (hg19) VCF-style: chr5-169701335-G-A.
Identifiers: ClinVar variation 3778018 (VCV003778018.7).